The following is an entry in ClinVar:

ClinVar aggregate classification (germline): Uncertain significance (1 of 4 stars; one submission).

Conditions:
TMEM67-related disorder. Also called: TMEM67-related disorders; TMEM67-related condition. Identifiers: MedGen CN239423.

gnomAD v4.1: 7 of 1,594,742 alleles (0.00044%); highest among the groups gnomAD compares: Non-Finnish European, 0.0006%; no homozygotes.

Submission:

PreventionGenetics, part of Exact Sciences
Classification: Uncertain significance for TMEM67-related condition. Last evaluated: 2026-09-01. Review status: criteria provided, single submitter. Criteria: ACMG Guidelines, 2015. Collection method: clinical testing. Allele origin: germline.
Comment: The TMEM67 c.293A>G variant is predicted to result in the amino acid substitution p.Lys98Arg. To our knowledge, this variant has not been reported in the literature or in a large population database (gnomAD), indicating this variant is rare. At this time, the clinical significance of this variant is uncertain due to the absence of conclusive functional and genetic evidence.

NM_153704.6(TMEM67):c.293A>G (p.Lys98Arg)

Gene: TMEM67 (transmembrane protein 67; plus strand). Cytogenetic location: 8q22.1.
Variant type: single nucleotide variant.
Coding change: c.293A>G on transcript NM_153704.6 (MANE Select); coding-DNA position 293, A replaced by G.
Protein change: p.Lys98Arg; replaces lysine 98 with arginine.
Molecular consequence: missense variant. On other transcripts: non-coding transcript variant (1), intron variant (1).
Genome position (GRCh38, 1-based): chr8:93,755,847, A>G. VCF-style: chr8-93755847-A-G. GRCh37 (hg19) VCF-style: chr8-94768075-A-G.
Other names: c.-62+710A>G (NM_001142301.1); short protein forms K98R.
Identifiers: ClinVar variation 4996302 (VCV004996302.1).